The following is an entry in ClinVar:

ClinVar aggregate classification (germline): Uncertain significance. Review status: criteria provided, multiple submitters, no conflicts (2 of 4 stars). 3 submissions from 3 submitters: Uncertain significance (3). Last evaluated 2024-11-03.

Allele frequency attached by ClinVar (database versions not stated): ESP Exome Variant Server 0.00008; gnomAD exomes 0.00016 and 0.00017; ExAC 0.00019; gnomAD 0.00022 and 0.00024; TOPMed 0.00026.

Submissions (3):

GeneDx
Classification: Uncertain significance. Last evaluated: 2024-11-03. Review status: criteria provided, single submitter. Criteria: GeneDx Variant Classification Process June 2021. Collection method: clinical testing. Allele origin: germline. Affected: yes.
Comment: In silico analysis supports that this missense variant has a deleterious effect on protein structure/function; Has not been previously published as pathogenic or benign to our knowledge

Labcorp Genetics (formerly Invitae), Labcorp
Classification: Uncertain significance. Last evaluated: 2022-11-01. Review status: criteria provided, single submitter. Criteria: Invitae Variant Classification Sherloc (09022015). Collection method: clinical testing. Allele origin: germline.
Comment: This sequence change replaces arginine, which is basic and polar, with cysteine, which is neutral and slightly polar, at codon 250 of the DGAT1 protein (p.Arg250Cys). This variant is present in population databases (rs144473757, gnomAD 0.03%). This variant has not been reported in the literature in individuals affected with DGAT1-related conditions. ClinVar contains an entry for this variant (Variation ID: 1058280). Advanced modeling of protein sequence and biophysical properties (such as structural, functional, and spatial information, amino acid conservation, physicochemical variation, residue mobility, and thermodynamic stability) performed at Invitae indicates that this missense variant is not expected to disrupt DGAT1 protein function. In summary, the available evidence is currently insufficient to determine the role of this variant in disease. Therefore, it has been classified as a Variant of Uncertain Significance.

Breakthrough Genomics
Classification: Uncertain significance. Review status: criteria provided, single submitter. Criteria: ACMG Guidelines, 2015. Collection method: not provided. Allele origin: germline. Inheritance: Autosomal recessive inheritance. Affected: yes.

NM_012079.6(DGAT1):c.748C>T (p.Arg250Cys)

Gene: DGAT1 (diacylglycerol O-acyltransferase 1; minus strand). Cytogenetic location: 8q24.3.
Variant type: single nucleotide variant.
Coding change: c.748C>T on transcript NM_012079.6 (MANE Select); coding-DNA position 748, C replaced by T.
Protein change: p.Arg250Cys; replaces arginine 250 with cysteine.
Molecular consequence: missense variant.
Genome position (GRCh38, 1-based): chr8:144,318,098, G>A on the plus strand (C>T on the coding strand, the complement: DGAT1 is on the minus strand). VCF-style: chr8-144318098-G-A. GRCh37 (hg19) VCF-style: chr8-145541761-G-A.
Other names: c.748C>T (NM_012079.5); short protein forms R250C.
Identifiers: ClinVar variation 1058280 (VCV001058280.4), dbSNP rs144473757, ClinGen allele CA4936876.
Genomic context (GRCh38, chr8:144,318,098, plus strand): 5'-TGGTACCAGAACAGGCCCAGCCTGTCCCCCGCACCTCAGGCCCACAGAGGTCCTCACCGC[G>A]GTAGGTCAGATTGTCCGGGTAGCTCACGGTGTGCGGGGCAGCAGCACTGCTGGCCTTCTT-3'
Protein context (NP_036211.2, residues 240-260): TVSYPDNLTY[Arg250Cys]DLYYFLFAPT